The following is an entry in ClinVar:

NM_000057.4(BLM):c.2435A>G (p.Lys812Arg)

Gene: BLM (BLM RecQ like helicase; plus strand). Cytogenetic location: 15q26.1.
Variant type: single nucleotide variant.
Coding change: c.2435A>G on transcript NM_000057.4 (MANE Select); coding-DNA position 2435, A replaced by G.
Protein change: p.Lys812Arg; replaces lysine 812 with arginine.
Molecular consequence: missense variant.
Genome position (GRCh38, 1-based): chr15:90,769,466, A>G. VCF-style: chr15-90769466-A-G. GRCh37 (hg19) VCF-style: chr15-91312696-A-G.
Other names: c.2435A>G, p.Lys812Arg (NM_001287246.2, NM_001287247.2); c.1310A>G, p.Lys437Arg (NM_001287248.2); short protein forms K437R, K812R.
Identifiers: ClinVar variation 2150910 (VCV002150910.5), dbSNP rs2505456509, ClinGen allele CA393845312.

ClinVar aggregate classification (germline): Uncertain significance. Review status: criteria provided, multiple submitters, no conflicts (2 of 4 stars). 2 submissions from 2 submitters: Uncertain significance (2). Last evaluated 2024-01-01.

Conditions:
Hereditary cancer-predisposing syndrome. Also called: Neoplastic Syndromes, Hereditary; Hereditary Cancer Syndrome; Tumor predisposition; Hereditary neoplastic syndrome. Identifiers: Orphanet 140162, MedGen C0027672, MeSH D009386, MONDO:0015356.
Bloom syndrome (BLM). Also called: Bloom-Torre-Machacek syndrome. Identifiers: Orphanet 125, MedGen C0005859, MONDO:0008876, OMIM 210900.

Allele frequency attached by ClinVar (database versions not stated): gnomAD exomes below 0.00001.
gnomAD v4.1: 2 of 1,614,200 alleles (0.00012%); highest among the groups gnomAD compares: South Asian, 0.0011%; no homozygotes.

Submissions (2):

Ambry Genetics
Classification: Uncertain significance for Hereditary cancer-predisposing syndrome. Last evaluated: 2024-01-01. Review status: criteria provided, single submitter. Criteria: Ambry Variant Classification Scheme 2023. Collection method: clinical testing. Allele origin: germline.
Comment: The p.K812R variant (also known as c.2435A>G), located in coding exon 11 of the BLM gene, results from an A to G substitution at nucleotide position 2435. The lysine at codon 812 is replaced by arginine, an amino acid with highly similar properties. This amino acid position is conserved. In addition, this alteration is predicted to be tolerated by in silico analysis. Since supporting evidence is limited at this time, the clinical significance of this alteration remains unclear.

Labcorp Genetics (formerly Invitae), Labcorp
Classification: Uncertain significance for Bloom syndrome. Last evaluated: 2023-08-24. Review status: criteria provided, single submitter. Criteria: Invitae Variant Classification Sherloc (09022015). Collection method: clinical testing. Allele origin: germline.
Comment: ClinVar contains an entry for this variant (Variation ID: 2150910). In summary, the available evidence is currently insufficient to determine the role of this variant in disease. Therefore, it has been classified as a Variant of Uncertain Significance. Advanced modeling of protein sequence and biophysical properties (such as structural, functional, and spatial information, amino acid conservation, physicochemical variation, residue mobility, and thermodynamic stability) performed at Invitae indicates that this missense variant is not expected to disrupt BLM protein function. This variant has not been reported in the literature in individuals affected with BLM-related conditions. This variant is not present in population databases (gnomAD no frequency). This sequence change replaces lysine, which is basic and polar, with arginine, which is basic and polar, at codon 812 of the BLM protein (p.Lys812Arg).